The following is an entry in ClinVar:

NM_000059.4(BRCA2):c.7110dup (p.Ser2371fs)

Gene: BRCA2 (BRCA2 DNA repair associated; plus strand). Cytogenetic location: 13q13.1.
Variant type: Duplication.
Coding change: c.7110dup on transcript NM_000059.4 (MANE Select); coding-DNA position 7110, one base duplicated (A; older notation c.7110dupA).
Protein change: p.Ser2371fs; shifts the reading frame from serine 2371.
Molecular consequence: frameshift variant.
Genome position (GRCh38, 1-based): chr13:32,354,963, A duplicated; the last of 5 consecutive A bases (chr13:32,354,959-32,354,963); duplicating any one gives the same sequence. VCF-style (leftmost placement, unchanged base first): chr13-32354958-G-GA. GRCh37 (hg19) VCF-style: chr13-32929095-G-GA.
Other names: 7338insA; c.7110dupA (NM_000059.3); short protein forms S2371fs.
Identifiers: ClinVar variation 266985 (VCV000266985.18), dbSNP rs80359638, ClinGen allele CA10589412.
Genomic context (GRCh38, chr13:32,354,958, plus strand): 5'-TTTACCGCACCTGGTCAAGAATTTCTGTCTAAATCTCATTTGTATGAACATCTGACTTTG[G>GA]AAAAATCTTCAAGCAATTTAGCAGTTTCAGGACATCCATTTTATCAAGTTTCTGCTACAA-3'

ClinVar aggregate classification (germline): Pathogenic. Review status: reviewed by expert panel (3 of 4 stars). 5 submissions from 5 submitters: Pathogenic (1). 4 of the submissions do not count toward it. Last evaluated 2016-10-18.

Conditions:
Breast-ovarian cancer, familial, susceptibility to, 2 (BROVCA2). Also called: BRCA2 Hereditary Breast and Ovarian Cancer. Identifiers: Orphanet 145, MedGen C2675520, MONDO:0012933, OMIM 612555. Disease mechanism: loss of function.
Hereditary cancer-predisposing syndrome. Also called: Hereditary neoplastic syndrome; Neoplastic Syndromes, Hereditary; Tumor predisposition; Hereditary Cancer Syndrome. Identifiers: Orphanet 140162, MedGen C0027672, MeSH D009386, MONDO:0015356.
Hereditary breast ovarian cancer syndrome. Also called: BRCA1- and BRCA2-Associated Hereditary Breast and Ovarian Cancer; Hereditary breast and ovarian cancer; Breast and ovarian cancer; Hereditary breast and/or ovarian cancer syndrome; Hereditary breast and ovarian cancer syndrome; Hereditary breast and ovarian cancer syndrome (HBOC). Identifiers: Orphanet 145, MedGen C0677776, MeSH D061325, MONDO:0003582. Disease mechanism: loss of function.

Submissions (5):

Evidence-based Network for the Interpretation of Germline Mutant Alleles (ENIGMA)
Classification: Pathogenic for Breast-ovarian cancer, familial, susceptibility to, 2. Last evaluated: 2016-10-18. Review status: reviewed by expert panel. Criteria: ENIGMA BRCA1/2 Classification Criteria (2015). Collection method: curation. Allele origin: germline.
Comment: Variant allele predicted to encode a truncated non-functional protein.

Labcorp Genetics (formerly Invitae), Labcorp
Classification: Pathogenic for Hereditary breast ovarian cancer syndrome. Last evaluated: 2021-03-26. Review status: criteria provided, single submitter. Criteria: Invitae Variant Classification Sherloc (09022015). Collection method: clinical testing. Allele origin: germline. Not counted in ClinVar's aggregate classification.
Comment: For these reasons, this variant has been classified as Pathogenic. Loss-of-function variants in BRCA2 are known to be pathogenic (PMID: 20104584). This variant has been observed in individual(s) with breast or ovarian cancer (PMID: 23961350, 28947987). This variant is also known in the literature as c.7105insA or c.7333insA. ClinVar contains an entry for this variant (Variation ID: 266985). This variant is not present in population databases (ExAC no frequency). This sequence change creates a premature translational stop signal (p.Ser2371Ilefs*21) in the BRCA2 gene. It is expected to result in an absent or disrupted protein product.

Color Diagnostics, LLC DBA Color Health
Classification: Pathogenic for Hereditary cancer-predisposing syndrome. Last evaluated: 2020-01-15. Review status: criteria provided, single submitter. Criteria: ACMG Guidelines, 2015. Collection method: clinical testing. Allele origin: germline. Not counted in ClinVar's aggregate classification.
Comment: This variant inserts 1 nucleotide in exon 14 of the BRCA2 gene, creating a frameshift and premature translation stop signal. This variant is expected to result in an absent or non-functional protein product. This variant has not been identified in the general population by the Genome Aggregation Database (gnomAD). Loss of BRCA2 function is a known mechanism of disease. Based on the available evidence, this variant is classified as Pathogenic.

Women's Health and Genetics/Laboratory Corporation of America, LabCorp
Classification: Likely pathogenic for Hereditary breast ovarian cancer syndrome. Last evaluated: 2017-06-05. Review status: criteria provided, single submitter. Criteria: LabCorp Variant Classification Summary - May 2015. Collection method: clinical testing. Allele origin: germline. Not counted in ClinVar's aggregate classification.
Comment: Variant summary: The BRCA2 c.7110dupA (p.Ser2371Ilefs) variant results in a premature termination codon, predicted to cause a truncated or absent BRCA2 protein due to nonsense mediated decay, which are commonly known mechanisms for disease. Truncations downstream of this position have been classified as pathogenic by our laboratory (e.g. c.7133C>G, p.Ser2378X; c.7180A>T, p.Arg2394X; c.7360delA, p.Ile2454fs). The variant of interest is absent in the large and broad control population of ExAC in 121316 control chromosomes. This variant was reported in one study in a patient with personal and familial history of breast cancer (Solano_2016). In addition, multiple clinical diagnostic laboratories/reputable databases have classified this variant as pathogenic. Taken together, this variant is classified as likely pathogenic.

Consortium of Investigators of Modifiers of BRCA1/2 (CIMBA), c/o University of Cambridge
Classification: Pathogenic for Breast-ovarian cancer, familial, susceptibility to, 2. Last evaluated: 2015-10-02. Review status: criteria provided, single submitter. Criteria: CIMBA Mutation Classification guidelines May 2016. Collection method: clinical testing. Allele origin: germline. Not counted in ClinVar's aggregate classification.

Literature cited by the submitters: PubMed 20104584 (cited by Labcorp Genetics (formerly Invitae), Labcorp); PubMed 23961350 (cited by Labcorp Genetics (formerly Invitae), Labcorp); PubMed 28947987 (cited by Labcorp Genetics (formerly Invitae), Labcorp).